The following is an entry in ClinVar:

NM_012193.4(FZD4):c.124_285+165del

Gene: FZD4 (frizzled class receptor 4; minus strand). Cytogenetic location: 11q14.2.
Variant type: Deletion.
Coding change: c.124_285+165del on transcript NM_012193.4 (MANE Select); coding-DNA position 124 through 165 bases into the intron after coding-DNA position 285, 327 bases deleted.
Molecular consequence: splice donor variant.
Genome position (GRCh38, 1-based): chr11:86,954,636-86,954,962, 327 bases deleted. GRCh37 (hg19): chr11:86,665,680-86,666,006.
Identifiers: ClinVar variation 935139 (VCV000935139.7), dbSNP rs1949320566, ClinGen allele CA1139662113.

ClinVar aggregate classification (germline): Pathogenic (1 of 4 stars; one submission).

Submission:

Labcorp Genetics (formerly Invitae), Labcorp
Classification: Pathogenic. Last evaluated: 2024-10-22. Review status: criteria provided, single submitter. Criteria: Invitae Variant Classification Sherloc (09022015). Collection method: clinical testing. Allele origin: germline.
Comment: This variant results in the deletion of part of exon 1 (c.124_285+165del) of the FZD4 gene. It is expected to disrupt RNA splicing. Variants that disrupt the donor or acceptor splice site typically lead to a loss of protein function (PMID: 16199547), and loss-of-function variants in FZD4 are known to be pathogenic (PMID: 2766845, 15035989, 25711638, 26244290). This variant is not present in population databases (gnomAD no frequency). This variant has been observed in individual(s) with exudative vitreoretinopathy (internal data). ClinVar contains an entry for this variant (Variation ID: 935139). This variant disrupts a region of the FZD4 protein in which other variant(s) (p.Cys45Tyr) have been determined to be pathogenic (PMID: 21177847, 30452590). This suggests that this is a clinically significant region of the protein, and that variants that disrupt it are likely to be disease-causing. For these reasons, this variant has been classified as Pathogenic.

Literature cited by the submitters: PubMed 16199547; PubMed 2766845; PubMed 15035989; PubMed 25711638; PubMed 26244290; PubMed 21177847; PubMed 30452590.